The following is an entry in ClinVar:

ClinVar aggregate classification (germline): Uncertain significance (1 of 4 stars; one submission).

Allele frequency attached by ClinVar (database versions not stated): TOPMed 0.00002; gnomAD 0.00003; gnomAD exomes 0.00008; ExAC 0.00011.
gnomAD v4.1: 117 of 1,612,980 alleles (0.0073%); highest among the groups gnomAD compares: South Asian, 0.063%; 1 homozygote.

Submission:

Labcorp Genetics (formerly Invitae), Labcorp
Classification: Uncertain significance. Last evaluated: 2022-08-09. Review status: criteria provided, single submitter. Criteria: Invitae Variant Classification Sherloc (09022015). Collection method: clinical testing. Allele origin: germline.
Comment: This variant has not been reported in the literature in individuals affected with PIAS1-related conditions. This variant is present in population databases (rs778533264, gnomAD 0.05%). This sequence change replaces arginine, which is basic and polar, with histidine, which is basic and polar, at codon 507 of the PIAS1 protein (p.Arg507His). Algorithms developed to predict the effect of missense changes on protein structure and function are either unavailable or do not agree on the potential impact of this missense change (SIFT: "Not Available"; PolyPhen-2: "Possibly Damaging"; Align-GVGD: "Not Available"). In summary, the available evidence is currently insufficient to determine the role of this variant in disease. Therefore, it has been classified as a Variant of Uncertain Significance.

NM_016166.3(PIAS1):c.1520G>A (p.Arg507His)

Gene: PIAS1 (protein inhibitor of activated STAT 1; plus strand). Cytogenetic location: 15q23.
Variant type: single nucleotide variant.
Coding change: c.1520G>A on transcript NM_016166.3 (MANE Select); coding-DNA position 1520, G replaced by A.
Protein change: p.Arg507His; replaces arginine 507 with histidine.
Molecular consequence: missense variant.
Genome position (GRCh38, 1-based): chr15:68,181,250, G>A. VCF-style: chr15-68181250-G-A. GRCh37 (hg19) VCF-style: chr15-68473588-G-A.
Other names: c.1526G>A, p.Arg509His (NM_001320687.1); short protein forms R507H, R509H.
Identifiers: ClinVar variation 2419625 (VCV002419625.6), dbSNP rs778533264, ClinGen allele CA7630056.